The following is an entry in ClinVar:

NM_139318.5(KCNH5):c.2722A>T (p.Thr908Ser)

Gene: KCNH5 (potassium voltage-gated channel subfamily H member 5; minus strand). Cytogenetic location: 14q23.2.
Variant type: single nucleotide variant.
Coding change: c.2722A>T on transcript NM_139318.5 (MANE Select); coding-DNA position 2722, A replaced by T.
Protein change: p.Thr908Ser; replaces threonine 908 with serine.
Molecular consequence: missense variant. On other transcripts: 3 prime UTR variant (1).
Genome position (GRCh38, 1-based): chr14:62,707,753, T>A on the plus strand (A>T on the coding strand, the complement: KCNH5 is on the minus strand). VCF-style: chr14-62707753-T-A. GRCh37 (hg19) VCF-style: chr14-63174471-T-A.
Other names: c.*689A>T (NM_172375.3); short protein forms T908S.
Identifiers: ClinVar variation 2040161 (VCV002040161.4), dbSNP rs143581971, ClinGen allele CA7217197.

ClinVar aggregate classification (germline): Uncertain significance (1 of 4 stars; one submission).

Conditions:
Early-infantile DEE. Also called: Early infantile epileptic encephalopathy with suppression bursts; Ohtahara syndrome; Early infantile epileptic encephalopathy. Identifiers: Orphanet 1934, MedGen C0393706, MONDO:0800491.

Allele frequency attached by ClinVar (database versions not stated): gnomAD exomes below 0.00001; ExAC 0.00002; ESP Exome Variant Server 0.00008.
gnomAD v4.1: 6 of 1,613,990 alleles (0.00037%); highest among the groups gnomAD compares: East Asian, 0.0067%; no homozygotes.

Submission:

Labcorp Genetics (formerly Invitae), Labcorp
Classification: Uncertain significance for Early-infantile DEE. Last evaluated: 2024-06-21. Review status: criteria provided, single submitter. Criteria: Invitae Variant Classification Sherloc (09022015). Collection method: clinical testing. Allele origin: germline.
Comment: This sequence change replaces threonine, which is neutral and polar, with serine, which is neutral and polar, at codon 908 of the KCNH5 protein (p.Thr908Ser). This variant is present in population databases (rs143581971, gnomAD 0.01%). This variant has not been reported in the literature in individuals affected with KCNH5-related conditions. ClinVar contains an entry for this variant (Variation ID: 2040161). Advanced modeling of protein sequence and biophysical properties (such as structural, functional, and spatial information, amino acid conservation, physicochemical variation, residue mobility, and thermodynamic stability) performed at Invitae indicates that this missense variant is not expected to disrupt KCNH5 protein function with a negative predictive value of 95%. In summary, the available evidence is currently insufficient to determine the role of this variant in disease. Therefore, it has been classified as a Variant of Uncertain Significance.